The following is an entry in ClinVar:

NM_001271938.2(MEGF8):c.77G>T (p.Arg26Leu)

Gene: MEGF8 (multiple EGF like domains 8; plus strand). Cytogenetic location: 19q13.2.
Variant type: single nucleotide variant.
Coding change: c.77G>T on transcript NM_001271938.2 (MANE Select); coding-DNA position 77, G replaced by T.
Protein change: p.Arg26Leu; replaces arginine 26 with leucine.
Molecular consequence: missense variant.
Genome position (GRCh38, 1-based): chr19:42,326,320, G>T. VCF-style: chr19-42326320-G-T. GRCh37 (hg19) VCF-style: chr19-42830472-G-T.
Other names: c.77G>T, p.Arg26Leu (NM_001410.3); c.77G>T (NM_001410.2); short protein forms R26L.
Identifiers: ClinVar variation 1394338 (VCV001394338.9), dbSNP rs377001753, ClinGen allele CA9474058.

ClinVar aggregate classification (germline): Uncertain significance. Review status: criteria provided, multiple submitters, no conflicts (2 of 4 stars). 6 submissions from 6 submitters: Uncertain significance (5). 1 of the submissions does not count toward it. Last evaluated 2025-06-06.

Conditions:
Inborn genetic diseases. Identifiers: MedGen C0950123, MeSH D030342.
MEGF8-related disorder. Also called: MEGF8-related condition.
MEGF8-related Carpenter syndrome. Also called: Carpenter syndrome 2. Identifiers: Orphanet 65759, MedGen C3554247, MONDO:0013998, OMIM 614976.

Allele frequency attached by ClinVar (database versions not stated): 1000 Genomes Project 30x 0.00016; ESP Exome Variant Server 0.00008; 1000 Genomes Project 0.00020.
gnomAD v4.1: 111 of 1,566,852 alleles (0.0071%); highest among the groups gnomAD compares: Middle Eastern, 0.22%; no homozygotes.

Submissions (6):

Ambry Genetics
Classification: Uncertain significance for Inborn genetic diseases. Last evaluated: 2025-06-06. Review status: criteria provided, single submitter. Criteria: Ambry Variant Classification Scheme 2023. Collection method: clinical testing. Allele origin: germline.

Revvity Omics, Revvity
Classification: Uncertain significance for MEGF8-related Carpenter syndrome. Last evaluated: 2024-12-23. Review status: criteria provided, single submitter. Criteria: ACMG Guidelines, 2015. Collection method: clinical testing. Allele origin: germline.

GeneDx
Classification: Uncertain significance. Last evaluated: 2024-01-16. Review status: criteria provided, single submitter. Criteria: GeneDx Variant Classification Process June 2021. Collection method: clinical testing. Allele origin: germline. Affected: yes.
Comment: In silico analysis supports that this missense variant does not alter protein structure/function; Has not been previously published as pathogenic or benign to our knowledge

Labcorp Genetics (formerly Invitae), Labcorp
Classification: Uncertain significance for MEGF8-related Carpenter syndrome. Last evaluated: 2022-10-21. Review status: criteria provided, single submitter. Criteria: Invitae Variant Classification Sherloc (09022015). Collection method: clinical testing. Allele origin: germline.
Comment: This sequence change replaces arginine, which is basic and polar, with leucine, which is neutral and non-polar, at codon 26 of the MEGF8 protein (p.Arg26Leu). This variant is present in population databases (rs377001753, gnomAD 0.01%). This variant has not been reported in the literature in individuals affected with MEGF8-related conditions. ClinVar contains an entry for this variant (Variation ID: 1394338). Algorithms developed to predict the effect of missense changes on protein structure and function output the following: SIFT: "Tolerated"; PolyPhen-2: "Benign"; Align-GVGD: "Class C0". The leucine amino acid residue is found in multiple mammalian species, which suggests that this missense change does not adversely affect protein function. In summary, the available evidence is currently insufficient to determine the role of this variant in disease. Therefore, it has been classified as a Variant of Uncertain Significance.

Breakthrough Genomics
Classification: Uncertain significance. Review status: criteria provided, single submitter. Criteria: ACMG Guidelines, 2015. Collection method: not provided. Allele origin: germline. Inheritance: Autosomal dominant inheritance. Affected: yes.

PreventionGenetics, part of Exact Sciences
Classification: Uncertain significance for MEGF8-related condition. Last evaluated: 2023-12-04. Review status: no assertion criteria provided. Collection method: clinical testing. Allele origin: germline. Not counted in ClinVar's aggregate classification.
Comment: The MEGF8 c.77G>T variant is predicted to result in the amino acid substitution p.Arg26Leu. To our knowledge, this variant has not been reported in the literature. This variant is reported in 0.013% of alleles in individuals of Latino descent in gnomAD. At this time, the clinical significance of this variant is uncertain due to the absence of conclusive functional and genetic evidence.